The following is an entry in ClinVar:

ClinVar aggregate classification (germline): Uncertain significance. Review status: criteria provided, multiple submitters, no conflicts (2 of 4 stars). 2 submissions from 2 submitters: Uncertain significance (2). Last evaluated 2026-07-05.

Conditions:
POLD1-related disorder. Also called: POLD1-related disorders; POLD1-related condition.
Hereditary cancer-predisposing syndrome. Also called: Hereditary neoplastic syndrome; Hereditary Cancer Syndrome; Neoplastic Syndromes, Hereditary; Tumor predisposition. Identifiers: Orphanet 140162, MedGen C0027672, MeSH D009386, MONDO:0015356.

Submissions (2):

Ambry Genetics
Classification: Uncertain significance for Hereditary cancer-predisposing syndrome. Last evaluated: 2026-07-05. Review status: criteria provided, single submitter. Criteria: Ambry Variant Classification Scheme 2023. Collection method: clinical testing. Allele origin: germline.
Comment: The p.C1058G variant (also known as c.3172T>G), located in coding exon 25 of the POLD1 gene, results from a T to G substitution at nucleotide position 3172. The cysteine at codon 1058 is replaced by glycine, an amino acid with highly dissimilar properties. This amino acid position is conserved. In addition, this alteration is predicted to be deleterious by in silico analysis. Based on the available evidence, the clinical significance of this variant remains unclear.

PreventionGenetics, part of Exact Sciences
Classification: Uncertain significance for POLD1-related condition. Last evaluated: 2023-02-01. Review status: criteria provided, single submitter. Criteria: ACMG Guidelines, 2015. Collection method: clinical testing. Allele origin: germline.
Comment: The POLD1 c.3172T>G variant is predicted to result in the amino acid substitution p.Cys1058Gly. To our knowledge, this variant has not been reported in the literature or in a large population database, indicating this variant is rare. At this time, the clinical significance of this variant is uncertain due to the absence of conclusive functional and genetic evidence.

NM_002691.4(POLD1):c.3172T>G (p.Cys1058Gly)

Gene: POLD1 (DNA polymerase delta 1, catalytic subunit; plus strand). Cytogenetic location: 19q13.33.
Variant type: single nucleotide variant.
Coding change: c.3172T>G on transcript NM_002691.4 (MANE Select); coding-DNA position 3172, T replaced by G.
Protein change: p.Cys1058Gly; replaces cysteine 1058 with glycine.
Molecular consequence: missense variant. On other transcripts: non-coding transcript variant (1).
Genome position (GRCh38, 1-based): chr19:50,417,223, T>G. VCF-style: chr19-50417223-T-G. GRCh37 (hg19) VCF-style: chr19-50920480-T-G.
Other names: c.3172T>G, p.Cys1058Gly (NM_001256849.1); c.3250T>G, p.Cys1084Gly (NM_001308632.1); c.3172T>G (NM_002691.2); short protein forms C1058G, C1084G.
Identifiers: ClinVar variation 2630170 (VCV002630170.2), dbSNP rs2122508122, ClinGen allele CA406987411.